The following is an entry in ClinVar:

NM_006765.4(TUSC3):c.912G>A (p.Ser304=)

Gene: TUSC3 (tumor suppressor candidate 3; plus strand). Cytogenetic location: 8p22.
Variant type: single nucleotide variant.
Coding change: c.912G>A on transcript NM_006765.4 (MANE Select); coding-DNA position 912, G replaced by A.
Protein change: p.Ser304=; no amino-acid change (serine 304 retained).
Molecular consequence: synonymous variant.
Genome position (GRCh38, 1-based): chr8:15,743,587, G>A. VCF-style: chr8-15743587-G-A. GRCh37 (hg19) VCF-style: chr8-15601096-G-A.
Other names: c.912G>A, p.Ser304= (NM_001356429.2, NM_178234.2).
Identifiers: ClinVar variation 95431 (VCV000095431.30), dbSNP rs17121892, ClinGen allele CA148534.
Genomic context (GRCh38, chr8:15,743,587, plus strand): 5'-AACTACTGCAGATGCCGCTATCACCATGGGGATGGTTCTTCTAAATGAAGCAGCAACTTC[G>A]AAAGGCGATGTTGGAAAAAGACGGAGTAAGTCTCTGTGTTGCCATTTTTGTAATTTCGTT-3'
Protein context (NP_006756.2, residues 294-314): GMVLLNEAAT[Ser304=]KGDVGKRRII

ClinVar aggregate classification (germline): Benign/Likely benign. Review status: criteria provided, multiple submitters, no conflicts (2 of 4 stars). 8 submissions from 8 submitters: Benign (4); Likely benign (2). 2 of the submissions do not count toward it. Last evaluated 2026-01-25.

Conditions:
TUSC3-related disorder. Also called: TUSC3-related condition.
Inborn genetic diseases. Identifiers: MedGen C0950123, MeSH D030342.
Congenital disorder of glycosylation (CDG). Also called: Congenital disorders of glycosylation; Carbohydrate-deficient glycoprotein syndrome. Identifiers: Orphanet 137, MedGen C0282577, MONDO:0015286.
Intellectual developmental disorder, autosomal recessive 7. Also called: Intellectual disability, autosomal recessive 7. Identifiers: Orphanet 88616, MedGen C1970197, MONDO:0012615, OMIM 611093.

Allele frequency attached by ClinVar (database versions not stated): gnomAD 0.02521 and 0.02710; ESP Exome Variant Server 0.02783; TOPMed 0.02853; 1000 Genomes Project 0.02855; 1000 Genomes Project 30x 0.02873.
gnomAD v4.1: 7,728 of 1,613,862 alleles (0.48%); highest among the groups gnomAD compares: African/African-American, 8.7%; 289 homozygotes.

Submissions (8):

Labcorp Genetics (formerly Invitae), Labcorp
Classification: Benign for Intellectual developmental disorder, autosomal recessive 7. Last evaluated: 2026-01-25. Review status: criteria provided, single submitter. Criteria: Invitae Variant Classification Sherloc (09022015). Collection method: clinical testing. Allele origin: germline.

GeneDx
Classification: Benign. Last evaluated: 2018-06-14. Review status: criteria provided, single submitter. Criteria: GeneDx Variant Classification (06012015). Collection method: clinical testing. Allele origin: germline. Affected: yes.
Comment: This variant is considered likely benign or benign based on one or more of the following criteria: it is a conservative change, it occurs at a poorly conserved position in the protein, it is predicted to be benign by multiple in silico algorithms, and/or has population frequency not consistent with disease.

Illumina Laboratory Services, Illumina
Classification: Benign for Congenital disorder of glycosylation. Last evaluated: 2018-01-13. Review status: criteria provided, single submitter. Criteria: ICSL Variant Classification Criteria 13 December 2019. Collection method: clinical testing. Allele origin: germline.
Comment: This variant was observed in the ICSL laboratory as part of a predisposition screen in an ostensibly healthy population. It had not been previously curated by ICSL or reported in the Human Gene Mutation Database (HGMD: prior to June 1st, 2018), and was therefore a candidate for classification through an automated scoring system. Utilizing variant allele frequency, disease prevalence and penetrance estimates, and inheritance mode, an automated score was calculated to assess if this variant is too frequent to cause the disease. Based on the score and internal cut-off values, a variant classified as benign is not then subjected to further curation. The score for this variant resulted in a classification of benign for this disease.

Ambry Genetics
Classification: Likely benign for Inborn genetic diseases. Last evaluated: 2016-03-11. Review status: criteria provided, single submitter. Criteria: Ambry Variant Classification Scheme 2023. Collection method: clinical testing. Allele origin: germline.

Eurofins Ntd Llc (ga)
Classification: Benign. Last evaluated: 2012-07-26. Review status: criteria provided, single submitter. Criteria: EGL Classification Definitions 2015. Collection method: clinical testing. Allele origin: germline. Observed: 1 variant allele, 1 heterozygote.

Breakthrough Genomics
Classification: Likely benign. Review status: criteria provided, single submitter. Criteria: ACMG Guidelines, 2015. Collection method: not provided. Allele origin: germline. Inheritance: Autosomal recessive inheritance. Affected: yes.

PreventionGenetics, part of Exact Sciences
Classification: Benign for TUSC3-related condition. Last evaluated: 2019-09-06. Review status: no assertion criteria provided. Collection method: clinical testing. Allele origin: germline. Not counted in ClinVar's aggregate classification.
Comment: This variant is classified as benign based on ACMG/AMP sequence variant interpretation guidelines (Richards et al. 2015 PMID: 25741868, with internal and published modifications).

Genetic Services Laboratory, University of Chicago
Classification: Likely benign for AllHighlyPenetrant. Review status: no assertion criteria provided. Collection method: clinical testing. Allele origin: germline. Inheritance: Autosomal recessive inheritance. Not counted in ClinVar's aggregate classification.
Comment: Likely benign based on allele frequency in 1000 Genomes Project or ESP global frequency and its presence in a patient with a rare or unrelated disease phenotype. NOT Sanger confirmed.